The following is an entry in ClinVar:

NM_000142.5(FGFR3):c.32G>C (p.Cys11Ser)

Gene: FGFR3 (fibroblast growth factor receptor 3; plus strand). Cytogenetic location: 4p16.3.
Variant type: single nucleotide variant.
Coding change: c.32G>C on transcript NM_000142.5 (MANE Select); coding-DNA position 32, G replaced by C.
Protein change: p.Cys11Ser; replaces cysteine 11 with serine.
Molecular consequence: missense variant. On other transcripts: non-coding transcript variant (1).
Genome position (GRCh38, 1-based): chr4:1,793,966, G>C. VCF-style: chr4-1793966-G-C. GRCh37 (hg19) VCF-style: chr4-1795693-G-C.
Other names: c.32G>C, p.Cys11Ser (NM_001163213.2, NM_001354809.2, NM_001354810.2 and 1 more transcripts); short protein forms C11S.
Identifiers: ClinVar variation 5020852 (VCV005020852.1).
Genomic context (GRCh38, chr4:1,793,966, plus strand): 5'-CTGAGGACGCCGCGGCCCCCGCCCCCGCCATGGGCGCCCCTGCCTGCGCCCTCGCGCTCT[G>C]CGTGGCCGTGGCCATCGTGGCCGGCGCCTCCTCGGAGTCCTTGGGGACGGAGCAGCGCGT-3'
Protein context (NP_000133.1, residues 1-21): MGAPACALAL[Cys11Ser]VAVAIVAGAS

ClinVar aggregate classification (germline): Uncertain significance (1 of 4 stars; one submission).

Submission:

Dasa
Classification: Uncertain significance. Last evaluated: 2025-09-24. Review status: criteria provided, single submitter. Criteria: DASA Assertion Criteria. Collection method: clinical testing. Allele origin: germline.
Comment: NM_000142.5(FGFR3):c.32G>C (p.Cys11Ser) is a missense variant that results in the substitution of cysteine with serine. This variant is rare in population databases. The currently available literature and clinical evidence are not sufficient to establish a definitive association between this variant and the reported condition. Therefore, this variant is classified as a variant of uncertain significance.